The following is an entry in ClinVar:

ClinVar aggregate classification (germline): Uncertain significance. Review status: criteria provided, multiple submitters, no conflicts (2 of 4 stars). 5 submissions from 5 submitters: Uncertain significance (5). Last evaluated 2026-01-16.

Conditions:
Maturity-onset diabetes of the young type 11. Identifiers: Orphanet 552, MedGen C3150618, MONDO:0013242, OMIM 613375.

Allele frequency attached by ClinVar (database versions not stated): ExAC 0.00012; gnomAD exomes 0.00015; ESP Exome Variant Server 0.00023; gnomAD 0.00025 and 0.00026; TOPMed 0.00029.

Submissions (5):

Clinical Genomics Laboratory, Washington University in St. Louis
Classification: Uncertain significance for Maturity-onset diabetes of the young type 11. Last evaluated: 2026-01-16. Review status: criteria provided, single submitter. Criteria: ACMG Guidelines, 2015. Collection method: clinical testing. Allele origin: germline.
Comment: A BLK c.883C>T (p.Arg295Trp) variant was identified in a heterozygous state. This variant has been reported in the literature in an individual with dyslipidemia (Dron JS et al., PMID: 32041611). This variant is observed on 217/1.614.096 alleles in the general population (gnomAD v4.1.0). Computational predictors are uncertain as to the impact of this variant on BLK function. Due to limited information, and based on ACMG/AMP guidelines for variant interpretation (Richards S et al., PMID: 25741868), the clinical significance of this variant is uncertain at this time.

Labcorp Genetics (formerly Invitae), Labcorp
Classification: Uncertain significance. Last evaluated: 2023-09-20. Review status: criteria provided, single submitter. Criteria: Invitae Variant Classification Sherloc (09022015). Collection method: clinical testing. Allele origin: germline.
Comment: This sequence change replaces arginine, which is basic and polar, with tryptophan, which is neutral and slightly polar, at codon 295 of the BLK protein (p.Arg295Trp). This variant is present in population databases (rs150949722, gnomAD 0.06%), and has an allele count higher than expected for a pathogenic variant. This variant has not been reported in the literature in individuals affected with BLK-related conditions. In summary, the available evidence is currently insufficient to determine the role of this variant in disease. Therefore, it has been classified as a Variant of Uncertain Significance. An algorithm developed to predict the effect of missense changes on protein structure and function (PolyPhen-2) suggests that this variant is likely to be disruptive. ClinVar contains an entry for this variant (Variation ID: 1338225).

GeneDx
Classification: Uncertain significance. Last evaluated: 2023-03-08. Review status: criteria provided, single submitter. Criteria: GeneDx Variant Classification Process June 2021. Collection method: clinical testing. Allele origin: germline. Affected: yes.
Comment: In silico analysis supports that this missense variant has a deleterious effect on protein structure/function; Has not been previously published as pathogenic or benign with BLK-related disorders to our knowledge; This variant is associated with the following publications: (PMID: 32041611)

Genetic Services Laboratory, University of Chicago
Classification: Uncertain significance. Last evaluated: 2017-07-12. Review status: criteria provided, single submitter. Criteria: ACMG Guidelines, 2015. Collection method: clinical testing. Allele origin: germline. Affected: no.

Breakthrough Genomics
Classification: Uncertain significance. Review status: criteria provided, single submitter. Criteria: ACMG Guidelines, 2015. Collection method: not provided. Allele origin: germline. Inheritance: Autosomal recessive inheritance. Affected: yes.

NM_001715.3(BLK):c.883C>T (p.Arg295Trp)

Genes: BLK (BLK proto-oncogene, Src family tyrosine kinase), BLK-AS1 (BLK antisense RNA 1). Cytogenetic location: 8p23.1.
Variant type: single nucleotide variant.
Coding change: c.883C>T on transcript NM_001715.3 (MANE Select); coding-DNA position 883, C replaced by T.
Protein change: p.Arg295Trp; replaces arginine 295 with tryptophan.
Molecular consequence: missense variant.
Genome position (GRCh38, 1-based): chr8:11,556,768, C>T. VCF-style: chr8-11556768-C-T. GRCh37 (hg19) VCF-style: chr8-11414277-C-T.
Other names: c.670C>T, p.Arg224Trp (NM_001330465.2); short protein forms R224W, R295W.
Identifiers: ClinVar variation 1338225 (VCV001338225.11), dbSNP rs150949722, ClinGen allele CA4630137.
Genomic context (GRCh38, chr8:11,556,768, plus strand): 5'-ACCATGTCTCCAGAAGCCTTTCTGGGTGAGGCCAACGTGATGAAGGCTCTGCAGCACGAG[C>T]GGCTGGTCCGACTCTACGCAGTGGTCACCAAGGAGCCCATCTACATTGTCACCGAGTACA-3'
Protein context (NP_001706.2, residues 285-305): ANVMKALQHE[Arg295Trp]LVRLYAVVTK